The following is an entry in ClinVar:

NM_006432.5(NPC2):c.190+4C>T

Gene: NPC2 (NPC intracellular cholesterol transporter 2; minus strand). Cytogenetic location: 14q24.3.
Variant type: single nucleotide variant.
Coding change: c.190+4C>T on transcript NM_006432.5 (MANE Select); 4 bases into the intron after coding-DNA position 190, C replaced by T.
Molecular consequence: intron variant.
Genome position (GRCh38, 1-based): chr14:74,486,325, G>A on the plus strand (C>T on the coding strand, the complement: NPC2 is on the minus strand). VCF-style: chr14-74486325-G-A. GRCh37 (hg19) VCF-style: chr14-74953028-G-A.
Other names: c.190+4C>T (NM_001363688.1, NM_001375440.1).
Identifiers: ClinVar variation 1388431 (VCV001388431.6), dbSNP rs776980208, ClinGen allele CA7268183.

ClinVar aggregate classification (germline): Uncertain significance. Review status: criteria provided, multiple submitters, no conflicts (2 of 4 stars). 2 submissions from 2 submitters: Uncertain significance (2). Last evaluated 2022-07-06.

Conditions:
Niemann-Pick disease, type C2 (NPC2). Identifiers: Orphanet 646, MedGen C1843366, MONDO:0011873, OMIM 607625.

Allele frequency attached by ClinVar (database versions not stated): gnomAD exomes 0.00001 and 0.00002; gnomAD 0.00003 and 0.00004; TOPMed 0.00003; ExAC 0.00006.

Submissions (2):

Labcorp Genetics (formerly Invitae), Labcorp
Classification: Uncertain significance for Niemann-Pick disease, type C2. Last evaluated: 2022-07-06. Review status: criteria provided, single submitter. Criteria: Invitae Variant Classification Sherloc (09022015). Collection method: clinical testing. Allele origin: germline.
Comment: This sequence change falls in intron 2 of the NPC2 gene. It does not directly change the encoded amino acid sequence of the NPC2 protein. It affects a nucleotide within the consensus splice site. This variant is present in population databases (rs776980208, gnomAD 0.008%). This variant has not been reported in the literature in individuals affected with NPC2-related conditions. ClinVar contains an entry for this variant (Variation ID: 1388431). Variants that disrupt the consensus splice site are a relatively common cause of aberrant splicing (PMID: 17576681, 9536098). Algorithms developed to predict the effect of sequence changes on RNA splicing suggest that this variant may disrupt the consensus splice site. In summary, the available evidence is currently insufficient to determine the role of this variant in disease. Therefore, it has been classified as a Variant of Uncertain Significance.

Blueprint Genetics
Classification: Uncertain significance. Last evaluated: 2017-11-03. Review status: criteria provided, single submitter. Criteria: ACMG Guidelines, 2015. Collection method: clinical testing. Allele origin: germline.

Literature cited by the submitters: PubMed 17576681 (cited by Labcorp Genetics (formerly Invitae), Labcorp); PubMed 9536098 (cited by Labcorp Genetics (formerly Invitae), Labcorp).